The following is an entry in ClinVar:

ClinVar aggregate classification (germline): Pathogenic. Review status: reviewed by expert panel (3 of 4 stars). 11 submissions from 11 submitters: Pathogenic (1). 10 of the submissions do not count toward it. Last evaluated 2016-10-18.

Conditions:
Hereditary breast ovarian cancer syndrome. Also called: Hereditary breast and ovarian cancer; Hereditary breast and ovarian cancer syndrome (HBOC); Hereditary breast and/or ovarian cancer syndrome; Breast and ovarian cancer; Hereditary breast and ovarian cancer syndrome; BRCA1- and BRCA2-Associated Hereditary Breast and Ovarian Cancer. Identifiers: Orphanet 145, MedGen C0677776, MeSH D061325, MONDO:0003582. Disease mechanism: loss of function.
Familial cancer of breast. Also called: Hereditary breast cancer; BREAST CANCER, FAMILIAL; hereditary breast carcinoma. Identifiers: Orphanet 227535, MedGen C0346153, MONDO:0016419, OMIM 114480. Disease mechanism: loss of function.
Hereditary cancer-predisposing syndrome. Also called: Tumor predisposition; Neoplastic Syndromes, Hereditary; Hereditary neoplastic syndrome; Hereditary Cancer Syndrome. Identifiers: Orphanet 140162, MedGen C0027672, MeSH D009386, MONDO:0015356.
Breast-ovarian cancer, familial, susceptibility to, 2 (BROVCA2). Also called: BRCA2 Hereditary Breast and Ovarian Cancer. Identifiers: Orphanet 145, MedGen C2675520, MONDO:0012933, OMIM 612555. Disease mechanism: loss of function.

Submissions (11):

Evidence-based Network for the Interpretation of Germline Mutant Alleles (ENIGMA)
Classification: Pathogenic for Breast-ovarian cancer, familial, susceptibility to, 2. Last evaluated: 2016-10-18. Review status: reviewed by expert panel. Criteria: ENIGMA BRCA1/2 Classification Criteria (2015). Collection method: curation. Allele origin: germline.
Comment: Variant allele predicted to encode a truncated non-functional protein.

Labcorp Genetics (formerly Invitae), Labcorp
Classification: Pathogenic for Hereditary breast ovarian cancer syndrome. Last evaluated: 2025-09-08. Review status: criteria provided, single submitter. Criteria: Invitae Variant Classification Sherloc (09022015). Collection method: clinical testing. Allele origin: germline. Not counted in ClinVar's aggregate classification.
Comment: This sequence change creates a premature translational stop signal (p.Asn991Aspfs*3) in the BRCA2 gene. It is expected to result in an absent or disrupted protein product. Loss-of-function variants in BRCA2 are known to be pathogenic (PMID: 20104584). This variant is not present in population databases (gnomAD no frequency). This premature translational stop signal has been observed in individual(s) with Lynch syndrome (PMID: 25980754). ClinVar contains an entry for this variant (Variation ID: 266730). For these reasons, this variant has been classified as Pathogenic.

Ambry Genetics
Classification: Pathogenic for Hereditary cancer-predisposing syndrome. Last evaluated: 2025-02-20. Review status: criteria provided, single submitter. Criteria: Ambry Variant Classification Scheme 2023. Collection method: clinical testing. Allele origin: germline. Not counted in ClinVar's aggregate classification.
Comment: The c.2971_2983del13 pathogenic mutation, located in coding exon 10 of the BRCA2 gene, results from a deletion of 13 nucleotides at nucleotide positions 2971 to 2983, causing a translational frameshift with a predicted alternate stop codon (p.N991Dfs*3). This variant was identified in a large, worldwide study of BRCA1/2 mutation positive families (Rebbeck TR et al. Hum Mutat, 2018 05;39:593-620). This variant is considered to be rare based on population cohorts in the Genome Aggregation Database (gnomAD). In addition to the clinical data presented in the literature, this alteration is expected to result in loss of function by premature protein truncation or nonsense-mediated mRNA decay. As such, this alteration is interpreted as a disease-causing mutation.

Quest Diagnostics Nichols Institute San Juan Capistrano
Classification: Pathogenic. Last evaluated: 2025-01-17. Review status: criteria provided, single submitter. Criteria: Quest Diagnostics criteria. Collection method: clinical testing. Allele origin: unknown. Not counted in ClinVar's aggregate classification.
Comment: The BRCA2 c.2971_2983del (p.Asn991Aspfs*3) variant alters the translational reading frame of the BRCA2 mRNA and causes the premature termination of BRCA2 protein synthesis. This variant has been reported in the published literature in individuals with a Lynch syndrome associated cancer and/or polyps (PMID: 25980754 (2015)) and breast cancer (PMID: 33471991 (2021), see also LOVD). This variant has also been identified a world-wide BRCA1/BRCA2 mutation screening study (PMID: 29446198 (2018)). This variant has not been reported in large, multi-ethnic general populations (Genome Aggregation Database). Based on the available information, this variant is classified as pathogenic.

Women's Health and Genetics/Laboratory Corporation of America, LabCorp
Classification: Pathogenic for Hereditary breast ovarian cancer syndrome. Last evaluated: 2023-12-20. Review status: criteria provided, single submitter. Criteria: LabCorp Variant Classification Summary - May 2015. Collection method: clinical testing. Allele origin: germline. Not counted in ClinVar's aggregate classification.
Comment: Variant summary: BRCA2 c.2971_2983del13 (p.Asn991AspfsX3) results in a premature termination codon, predicted to cause a truncation of the encoded protein or absence of the protein due to nonsense mediated decay, which are commonly known mechanisms for disease. Variants downstream of this position have been classified as pathogenic by our laboratory. The variant was absent in 250428 control chromosomes. c.2971_2983del13 has been reported in the literature in individuals affected with Hereditary Breast And Ovarian Cancer Syndrome (Rebbeck_2018). To our knowledge, no experimental evidence demonstrating an impact on protein function has been reported. The following publication have been ascertained in the context of this evaluation (PMID: 29446198). Eight submitters have cited clinical-significance assessments for this variant to ClinVar after 2014. All submitters classified the variant as pathogenic. Based on the evidence outlined above, the variant was classified as pathogenic.

Color Diagnostics, LLC DBA Color Health
Classification: Pathogenic for Hereditary cancer-predisposing syndrome. Last evaluated: 2023-12-05. Review status: criteria provided, single submitter. Criteria: ACMG Guidelines, 2015. Collection method: clinical testing. Allele origin: germline. Not counted in ClinVar's aggregate classification.
Comment: This variant deletes 13 nucleotides in exon 11 of the BRCA2 gene, creating a frameshift and premature translation stop signal. This variant is expected to result in an absent or non-functional protein product. This variant has been reported in an individual affected with breast cancer (PMID: 33471991; Leiden Open Variation Database DB-ID BRCA2_004438), an individual suspected to be affected with Lynch Syndrome (PMID: 25980754) and in one family among the CIMBA participants (PMID: 29446198). This variant has not been identified in the general population by the Genome Aggregation Database (gnomAD). Loss of BRCA2 function is a known mechanism of disease. Based on the available evidence, this variant is classified as Pathogenic.

Revvity Omics, Revvity
Classification: Pathogenic. Last evaluated: 2022-12-14. Review status: criteria provided, single submitter. Criteria: ACMG Guidelines, 2015. Collection method: clinical testing. Allele origin: germline. Not counted in ClinVar's aggregate classification.

Baylor Genetics
Classification: Pathogenic for Familial cancer of breast. Last evaluated: 2022-03-27. Review status: criteria provided, single submitter. Criteria: ACMG Guidelines, 2015. Collection method: clinical testing. Allele origin: unknown. Not counted in ClinVar's aggregate classification.

GeneDx
Classification: Pathogenic. Last evaluated: 2022-03-18. Review status: criteria provided, single submitter. Criteria: GeneDx Variant Classification Process June 2021. Collection method: clinical testing. Allele origin: germline. Affected: yes. Not counted in ClinVar's aggregate classification.
Comment: Frameshift variant predicted to result in protein truncation or nonsense mediated decay in a gene for which loss-of-function is a known mechanism of disease; Observed in a family with Hereditary Breast and Ovarian Cancer (Rebbeck 2018); Not observed at significant frequency in large population cohorts (gnomAD); Truncating variants in this gene are considered pathogenic by a well-established clinical consortium and/or database; Also known as 3199_3211del13; This variant is associated with the following publications: (PMID: 25980754, 29446198, 30787465)

Laboratory for Molecular Medicine, Mass General Brigham Personalized Medicine
Classification: Pathogenic for Hereditary breast ovarian cancer syndrome. Last evaluated: 2018-04-02. Review status: criteria provided, single submitter. Criteria: ACMG Guidelines, 2015. Collection method: clinical testing. Allele origin: germline. Not counted in ClinVar's aggregate classification.
Comment: The p.Asn991fs variant in BRCA2 has not been previously reported in individuals BRCA2-associated cancers, but was reported in one individual with clinical features of Lynch syndrome (Yorgelun 2015). It was absent from large population studies, but has been reported in ClinVar (Variation ID# 266730). This variant is predicted to cause a frameshift, which alters the protein’s amino acid sequence beginning at position 991 and leads to a premature termination codon 3 amino acids downstream. This alteration is then predicted to lead to a truncated or absent protein. Heterozygous loss of function of the BRCA2 gene is an established disease mechanism in hereditary breast and ovarian cancer (HBOC) syndrome. In summary, this variant is pathogenic for HBOC in an autosomal dominant manner. ACMG/AMP Criteria applied: PVS1; PM2.

Consortium of Investigators of Modifiers of BRCA1/2 (CIMBA), c/o University of Cambridge
Classification: Pathogenic for Breast-ovarian cancer, familial, susceptibility to, 2. Last evaluated: 2015-10-02. Review status: criteria provided, single submitter. Criteria: CIMBA Mutation Classification guidelines May 2016. Collection method: clinical testing. Allele origin: germline. Not counted in ClinVar's aggregate classification.

Literature cited by the submitters: PubMed 20104584 (cited by Labcorp Genetics (formerly Invitae), Labcorp); PubMed 25980754 (cited by 5 submitters); PubMed 29446198 (cited by 4 submitters); PubMed 33471991 (cited by Quest Diagnostics Nichols Institute San Juan Capistrano and Color Diagnostics, LLC DBA Color Health).

NM_000059.4(BRCA2):c.2971_2983del (p.Asn991fs)

Gene: BRCA2 (BRCA2 DNA repair associated; plus strand). Cytogenetic location: 13q13.1.
Variant type: Deletion.
Coding change: c.2971_2983del on transcript NM_000059.4 (MANE Select); coding-DNA positions 2971 to 2983, 13 bases deleted (AACAAATGGGCAG).
Protein change: p.Asn991fs; shifts the reading frame from asparagine 991.
Molecular consequence: frameshift variant.
Genome position (GRCh38, 1-based): chr13:32,337,326-32,337,338, AACAAATGGGCAG deleted; deleting any 13 consecutive bases within chr13:32,337,325-32,337,338 gives the same sequence; the c. name uses the placement nearest the transcript's 3' end. VCF-style (leftmost placement, unchanged base first): chr13-32337324-TGAACAAATGGGCA-T. GRCh37 (hg19) VCF-style: chr13-32911461-TGAACAAATGGGCA-T.
Other names: 3199del13; c.2971_2983delAACAAATGGGCAG (NM_000059.3); c.2971_2983del13 (NM_000059.4).
Identifiers: ClinVar variation 266730 (VCV000266730.38), dbSNP rs886040456, ClinGen allele CA10589182.